The following is an entry in ClinVar:

NM_005045.4(RELN):c.940T>C (p.Tyr314His)

Gene: RELN (reelin; minus strand). Cytogenetic location: 7q22.1.
Variant type: single nucleotide variant.
Coding change: c.940T>C on transcript NM_005045.4 (MANE Select); coding-DNA position 940, T replaced by C.
Protein change: p.Tyr314His; replaces tyrosine 314 with histidine.
Molecular consequence: missense variant.
Genome position (GRCh38, 1-based): chr7:103,698,056, A>G on the plus strand (T>C on the coding strand, the complement: RELN is on the minus strand). VCF-style: chr7-103698056-A-G. GRCh37 (hg19) VCF-style: chr7-103338503-A-G.
Other names: c.940T>C, p.Tyr314His (NM_173054.3); short protein forms Y314H.
Identifiers: ClinVar variation 1407550 (VCV001407550.8), dbSNP rs763000457, ClinGen allele CA4422395.
Genomic context (GRCh38, chr7:103,698,056, plus strand): 5'-GAAGATTTTCCTGCTTCCACTGAAATTGGACATTCTCCCCTTTGGCGTCCTCAGGAAGGT[A>G]GAGGATATGGATGATTGTGCTGACATTGGAAGGGGCTCTGGAACATACAGAGAGATGGCA-3'
Protein context (NP_005036.2, residues 304-324): SNVSTIIHIL[Tyr314His]LPEDAKGENV

ClinVar aggregate classification (germline): Uncertain significance (1 of 4 stars; one submission).

Conditions:
Norman-Roberts syndrome (LIS2). Also called: Lissencephaly 2 (Norman-Roberts type). Identifiers: Orphanet 89844, MedGen C0796089, MONDO:0009760, OMIM 257320.
Familial temporal lobe epilepsy 7. Identifiers: Orphanet 101046, MedGen C4225327, MONDO:0014639, OMIM 616436.

Allele frequency attached by ClinVar (database versions not stated): gnomAD exomes below 0.00001 and 0.00001; ExAC 0.00001.
gnomAD v4.1: 3 of 1,613,826 alleles (0.00019%); highest among the groups gnomAD compares: Non-Finnish European, 0.00025%; no homozygotes.

Submission:

Labcorp Genetics (formerly Invitae), Labcorp
Classification: Uncertain significance for Familial temporal lobe epilepsy 7; Norman-Roberts syndrome. Last evaluated: 2021-07-02. Review status: criteria provided, single submitter. Criteria: Invitae Variant Classification Sherloc (09022015). Collection method: clinical testing. Allele origin: germline.
Comment: This sequence change replaces tyrosine with histidine at codon 314 of the RELN protein (p.Tyr314His). The tyrosine residue is moderately conserved and there is a moderate physicochemical difference between tyrosine and histidine. This variant is present in population databases (rs763000457, ExAC 0.001%). This variant has not been reported in the literature in individuals affected with RELN-related conditions. Algorithms developed to predict the effect of missense changes on protein structure and function are either unavailable or do not agree on the potential impact of this missense change (SIFT: "Tolerated"; PolyPhen-2: "Possibly Damaging"; Align-GVGD: "Class C0"). In summary, the available evidence is currently insufficient to determine the role of this variant in disease. Therefore, it has been classified as a Variant of Uncertain Significance.